The following is an entry in ClinVar:

ClinVar aggregate classification (germline): Uncertain significance. Review status: criteria provided, multiple submitters, no conflicts (2 of 4 stars). 2 submissions from 2 submitters: Uncertain significance (2). Last evaluated 2025-09-05.

gnomAD v4.1: 62 of 1,209,211 alleles (0.0051%); highest among the groups gnomAD compares: Middle Eastern, 0.023%; no homozygotes.

Submissions (2):

Ambry Genetics
Classification: Uncertain significance. Last evaluated: 2025-09-05. Review status: criteria provided, single submitter. Criteria: Ambry Variant Classification Scheme 2023. Collection method: clinical testing. Allele origin: germline.

Labcorp Genetics (formerly Invitae), Labcorp
Classification: Uncertain significance. Last evaluated: 2025-02-09. Review status: criteria provided, single submitter. Criteria: Invitae Variant Classification Sherloc (09022015). Collection method: clinical testing. Allele origin: germline.
Comment: This sequence change replaces arginine, which is basic and polar, with tryptophan, which is neutral and slightly polar, at codon 1026 of the COL4A6 protein (p.Arg1026Trp). This variant is present in population databases (rs747433163, gnomAD 0.007%). This variant has not been reported in the literature in individuals affected with COL4A6-related conditions. Invitae Evidence Modeling of protein sequence and biophysical properties (such as structural, functional, and spatial information, amino acid conservation, physicochemical variation, residue mobility, and thermodynamic stability) indicates that this missense variant is not expected to disrupt COL4A6 protein function with a negative predictive value of 80%. In summary, the available evidence is currently insufficient to determine the role of this variant in disease. Therefore, it has been classified as a Variant of Uncertain Significance.

NM_033641.4(COL4A6):c.3073C>T (p.Arg1025Trp)

Gene: COL4A6 (collagen type IV alpha 6 chain; minus strand). Cytogenetic location: Xq22.3.
Variant type: single nucleotide variant.
Coding change: c.3073C>T on transcript NM_033641.4 (MANE Select); coding-DNA position 3073, C replaced by T.
Protein change: p.Arg1025Trp; replaces arginine 1025 with tryptophan.
Molecular consequence: missense variant.
Genome position (GRCh38, 1-based): chrX:108,174,505, G>A on the plus strand (C>T on the coding strand, the complement: COL4A6 is on the minus strand). VCF-style: chrX-108174505-G-A. GRCh37 (hg19) VCF-style: chrX-107417735-G-A.
Other names: c.3076C>T (NM_001847.2); c.3124C>T, p.Arg1042Trp (NM_001287758.2); c.3073C>T, p.Arg1025Trp (NM_001287759.2, NM_001287760.2); c.3076C>T, p.Arg1026Trp (NM_001847.4); short protein forms R1025W, R1026W, R1042W.
Identifiers: ClinVar variation 3669822 (VCV003669822.3).